The following is an entry in ClinVar:

NM_133433.4(NIPBL):c.332G>A (p.Ser111Asn)

Gene: NIPBL (NIPBL cohesin loading factor; plus strand). Cytogenetic location: 5p13.2.
Variant type: single nucleotide variant.
Coding change: c.332G>A on transcript NM_133433.4 (MANE Select); coding-DNA position 332, G replaced by A.
Protein change: p.Ser111Asn; replaces serine 111 with asparagine.
Molecular consequence: missense variant.
Genome position (GRCh38, 1-based): chr5:36,958,205, G>A. VCF-style: chr5-36958205-G-A. GRCh37 (hg19) VCF-style: chr5-36958307-G-A.
Other names: c.332G>A, p.Ser111Asn (NM_015384.5); short protein forms S111N.
Identifiers: ClinVar variation 159079 (VCV000159079.10), dbSNP rs587783920, ClinGen allele CA272053.
Genomic context (GRCh38, chr5:36,958,205, plus strand): 5'-ACATACCAGTCTTGTTGCAGGCCGTCCTGGCAAGGAGTCCTAATGTTTTCAGGGAGAAAA[G>A]CATGCAGAACAGATATGTACAAAGTGGTGAGTTTCTTAATAACTGAATTCCCATATCAAA-3'
Protein context (NP_597677.2, residues 101-121): ARSPNVFREK[Ser111Asn]MQNRYVQSGM

ClinVar aggregate classification (germline): Uncertain significance. Review status: criteria provided, multiple submitters, no conflicts (2 of 4 stars). 3 submissions from 3 submitters: Uncertain significance (3). Last evaluated 2024-01-15.

Conditions:
Cornelia de Lange syndrome 1 (CDLS1). Also called: Brachmann de Lange syndrome; NIPBL-Related Cornelia de Lange Syndrome; TYPUS DEGENERATIVUS AMSTELODAMENSIS. Identifiers: Orphanet 199, MedGen C4551851, MONDO:0007387, OMIM 122470.

Allele frequency attached by ClinVar (database versions not stated): gnomAD 0.00001.
gnomAD v4.1: 2 of 1,613,640 alleles (0.00012%); highest among the groups gnomAD compares: Admixed American, 0.0017%; no homozygotes.

Submissions (3):

Fulgent Genetics
Classification: Uncertain significance for Cornelia de Lange syndrome 1. Last evaluated: 2024-01-15. Review status: criteria provided, single submitter. Criteria: ACMG Guidelines, 2015. Collection method: clinical testing. Allele origin: germline.

Labcorp Genetics (formerly Invitae), Labcorp
Classification: Uncertain significance for Cornelia de Lange syndrome 1. Last evaluated: 2023-10-13. Review status: criteria provided, single submitter. Criteria: Invitae Variant Classification Sherloc (09022015). Collection method: clinical testing. Allele origin: germline.
Comment: This sequence change replaces serine, which is neutral and polar, with asparagine, which is neutral and polar, at codon 111 of the NIPBL protein (p.Ser111Asn). This variant is not present in population databases (gnomAD no frequency). This variant has not been reported in the literature in individuals affected with NIPBL-related conditions. ClinVar contains an entry for this variant (Variation ID: 159079). Advanced modeling of protein sequence and biophysical properties (such as structural, functional, and spatial information, amino acid conservation, physicochemical variation, residue mobility, and thermodynamic stability) has been performed at Invitae for this missense variant, however the output from this modeling did not meet the statistical confidence thresholds required to predict the impact of this variant on NIPBL protein function. In summary, the available evidence is currently insufficient to determine the role of this variant in disease. Therefore, it has been classified as a Variant of Uncertain Significance.

Genetic Services Laboratory, University of Chicago
Classification: Uncertain significance for Cornelia de Lange syndrome 1. Last evaluated: 2013-02-08. Review status: criteria provided, single submitter. Criteria: ACMG Guidelines, 2007. Collection method: clinical testing. Allele origin: germline. Inheritance: Autosomal dominant inheritance.